The following is an entry in ClinVar:

NM_001098511.3(KIF2A):c.1432G>C (p.Gly478Arg)

Gene: KIF2A (kinesin family member 2A; plus strand). Cytogenetic location: 5q12.1.
Variant type: single nucleotide variant.
Coding change: c.1432G>C on transcript NM_001098511.3 (MANE Select); coding-DNA position 1432, G replaced by C.
Protein change: p.Gly478Arg; replaces glycine 478 with arginine.
Molecular consequence: missense variant.
Genome position (GRCh38, 1-based): chr5:62,363,864, G>C. VCF-style: chr5-62363864-G-C. GRCh37 (hg19) VCF-style: chr5-61659691-G-C.
Other names: c.1351G>C, p.Gly451Arg (NM_001243952.2); c.1375G>C, p.Gly459Arg (NM_001243953.2); c.1432G>C, p.Gly478Arg (NM_004520.5); short protein forms G451R, G459R, G478R.
Identifiers: ClinVar variation 3893686 (VCV003893686.1).
Genomic context (GRCh38, chr5:62,363,864, plus strand): 5'-TTGGCTGGAAATGAAAGAGGAGCTGATACTTCCAGTGCGGACAGGCAAACTAGGCTTGAA[G>C]GTGCTGAAATTAATAAAAGCCTTTTAGCACTCAAGGTAAATAAAATGTATTTTATCATGA-3'
Protein context (NP_001091981.1, residues 468-488): SSADRQTRLE[Gly478Arg]AEINKSLLAL

ClinVar aggregate classification (germline): Uncertain significance (1 of 4 stars; one submission).

Conditions:
Complex cortical dysplasia with other brain malformations 3. Identifiers: MedGen C3809414, MONDO:0014170, OMIM 615411.

Submission:

Broad Center for Mendelian Genomics, Broad Institute of MIT and Harvard
Classification: Uncertain significance for Complex cortical dysplasia with other brain malformations 3. Last evaluated: 2025-04-29. Review status: criteria provided, single submitter. Criteria: ACMG Guidelines, 2015. Collection method: research. Allele origin: germline. Inheritance: Autosomal dominant inheritance. Affected: yes.
Comment: This variant has not been previously reported in individuals with complex cortical dysplasia with other brain malformations 3, and was absent from large population studies. Computational prediction tools and conservation analyses suggest that this variant may impact the protein, though this information is not predictive enough to determine pathogenicity. The number of missense variants reported in KIF2A in the general population is lower than expected, suggesting there is little benign variation in this gene and slightly increasing the possibility that a missense variant in this gene may not be tolerated. Furthermore, although this gene has been reported in association with complex cortical dysplasia, it currently has moderate evidence for these associations. In summary, the clinical significance of the p.Gly478Arg variant is uncertain.